The following is an entry in ClinVar:

NM_000747.3(CHRNB1):c.821-9C>T

Gene: CHRNB1 (cholinergic receptor nicotinic beta 1 subunit; plus strand). Cytogenetic location: 17p13.1.
Variant type: single nucleotide variant.
Coding change: c.821-9C>T on transcript NM_000747.3 (MANE Select); 9 bases into the intron before coding-DNA position 821, C replaced by T.
Molecular consequence: intron variant.
Genome position (GRCh38, 1-based): chr17:7,454,288, C>T. VCF-style: chr17-7454288-C-T. GRCh37 (hg19) VCF-style: chr17-7357607-C-T.
Other names: p.?.
Identifiers: ClinVar variation 128753 (VCV000128753.23), dbSNP rs76001008, ClinGen allele CA152392.
Genomic context (GRCh38, chr17:7,454,288, plus strand): 5'-CACTGATTATGCCATAGAGCTTTCCTTCAGGCAAGTCTAATCCTTCTCTCTTCCCCTCTG[C>T]CCTCCAAGGAGAGAAGATGGGGCTCTCAATCTTTGCCCTGCTGACCCTTACTGTGTTCCT-3'

ClinVar aggregate classification (germline): Benign. Review status: criteria provided, multiple submitters, no conflicts (2 of 4 stars). 8 submissions from 8 submitters: Benign (7). 1 of the submissions does not count toward it. Last evaluated 2026-02-03.

Conditions:
Congenital myasthenic syndrome 2A. Also called: Myasthenic syndrome, congenital, 2a, slow-channel. Identifiers: Orphanet 590, MedGen C4225374, MONDO:0014581, OMIM 616313.
Congenital myasthenic syndrome 4C (CMS4C). Also called: Myasthenic syndrome, congenital, associated with acetylcholine receptor deficiency. Identifiers: Orphanet 590, MedGen C1837091, MONDO:0012157, OMIM 608931.

Allele frequency attached by ClinVar (database versions not stated): 1000 Genomes Project 0.00459; 1000 Genomes Project 30x 0.00500; gnomAD 0.01346 and 0.01413; TOPMed 0.01385; ExAC 0.01458; gnomAD exomes 0.01465 and 0.01858; ESP Exome Variant Server 0.01545.
gnomAD v4.1: 29,023 of 1,605,916 alleles (1.8%); highest among the groups gnomAD compares: Non-Finnish European, 2.1%; 321 homozygotes.

Submissions (8):

Labcorp Genetics (formerly Invitae), Labcorp
Classification: Benign for Congenital myasthenic syndrome 2A. Last evaluated: 2026-02-03. Review status: criteria provided, single submitter. Criteria: Invitae Variant Classification Sherloc (09022015). Collection method: clinical testing. Allele origin: germline.

Athena Diagnostics
Classification: Benign. Last evaluated: 2025-11-04. Review status: criteria provided, single submitter. Criteria: Athena Diagnostics Criteria. Collection method: clinical testing. Allele origin: unknown.
Comment: The frequency of this variant in the general population is higher than would generally be expected for pathogenic variants in this gene.

Mayo Clinic Laboratories, Mayo Clinic
Classification: Benign. Last evaluated: 2023-03-08. Review status: criteria provided, single submitter. Criteria: ACMG Guidelines, 2015. Collection method: clinical testing. Allele origin: germline. Observed: 12 variant alleles.
Comment: BS1, BS2, BP4, BP7

Illumina Laboratory Services, Illumina
Classification: Benign for Congenital myasthenic syndrome 4C. Last evaluated: 2018-01-12. Review status: criteria provided, single submitter. Criteria: ICSL Variant Classification Criteria 13 December 2019. Collection method: clinical testing. Allele origin: germline.
Comment: This variant was observed in the ICSL laboratory as part of a predisposition screen in an ostensibly healthy population. It had not been previously curated by ICSL or reported in the Human Gene Mutation Database (HGMD: prior to June 1st, 2018), and was therefore a candidate for classification through an automated scoring system. Utilizing variant allele frequency, disease prevalence and penetrance estimates, and inheritance mode, an automated score was calculated to assess if this variant is too frequent to cause the disease. Based on the score and internal cut-off values, a variant classified as benign is not then subjected to further curation. The score for this variant resulted in a classification of benign for this disease.

GeneDx
Classification: Benign. Last evaluated: 2016-05-27. Review status: criteria provided, single submitter. Criteria: GeneDx Variant Classification (06012015). Collection method: clinical testing. Allele origin: germline. Affected: yes.
Comment: This variant is considered likely benign or benign based on one or more of the following criteria: it is a conservative change, it occurs at a poorly conserved position in the protein, it is predicted to be benign by multiple in silico algorithms, and/or has population frequency not consistent with disease.

Breakthrough Genomics
Classification: Benign. Review status: criteria provided, single submitter. Criteria: ACMG Guidelines, 2015. Collection method: not provided. Allele origin: germline. Inheritance: Autosomal recessive inheritance. Affected: yes.

PreventionGenetics, part of Exact Sciences
Classification: Benign. Review status: criteria provided, single submitter. Criteria: ACMG Guidelines, 2015. Collection method: clinical testing. Allele origin: germline.

Genetic Services Laboratory, University of Chicago
Classification: Likely benign for AllHighlyPenetrant. Review status: no assertion criteria provided. Collection method: clinical testing. Allele origin: germline. Not counted in ClinVar's aggregate classification.
Comment: Likely benign based on allele frequency in 1000 Genomes Project or ESP global frequency and its presence in a patient with a rare or unrelated disease phenotype. NOT Sanger confirmed.